The following is an entry in ClinVar:

ClinVar aggregate classification (germline): Pathogenic/Likely pathogenic. Review status: criteria provided, multiple submitters, no conflicts (2 of 4 stars). 4 submissions from 4 submitters: Pathogenic (3); Likely pathogenic (1). Last evaluated 2025-08-09.

Conditions:
Hereditary nonpolyposis colorectal neoplasms. Identifiers: MedGen C0009405, MeSH D003123.
Hereditary cancer-predisposing syndrome. Also called: Hereditary Cancer Syndrome; Hereditary neoplastic syndrome; Neoplastic Syndromes, Hereditary; Tumor predisposition. Identifiers: Orphanet 140162, MedGen C0027672, MeSH D009386, MONDO:0015356.
Lynch syndrome 5 (LYNCH5). Also called: Hereditary non-polyposis colorectal cancer, type 5; Colorectal cancer, hereditary nonpolyposis, type 5. Identifiers: Orphanet 144, MedGen C1833477, MONDO:0013710, OMIM 614350. Disease mechanism: loss of function.

Submissions (4):

Labcorp Genetics (formerly Invitae), Labcorp
Classification: Pathogenic for Hereditary nonpolyposis colorectal neoplasms. Last evaluated: 2025-08-09. Review status: criteria provided, single submitter. Criteria: Invitae Variant Classification Sherloc (09022015). Collection method: clinical testing. Allele origin: germline.
Comment: This sequence change creates a premature translational stop signal (p.Glu1310Argfs*10) in the MSH6 gene. It is expected to result in an absent or disrupted protein product. Loss-of-function variants in MSH6 are known to be pathogenic (PMID: 18269114, 24362816). This variant is not present in population databases (gnomAD no frequency). This variant has not been reported in the literature in individuals affected with MSH6-related conditions. It is commonly reported in individuals of Ashkenazi Jewish ancestry (PMID: 21155762). ClinVar contains an entry for this variant (Variation ID: 455308). For these reasons, this variant has been classified as Pathogenic.

Ambry Genetics
Classification: Likely pathogenic for Hereditary cancer-predisposing syndrome. Last evaluated: 2024-02-01. Review status: criteria provided, single submitter. Criteria: Ambry Variant Classification Scheme 2023. Collection method: clinical testing. Allele origin: germline.
Comment: The c.3926_3927insGAGA variant, located in coding exon 9 of the MSH6 gene, results from an insertion of 4 nucleotides at position 3926, causing a translational frameshift with a predicted alternate stop codon (p.E1310Rfs*10). This alteration occurs at the 3' terminus of theMSH6 gene, is not expected to trigger nonsense-mediated mRNA decay, and only impacts the last 51 amino acids of the protein. However, premature stop codons are typically deleterious in nature and the impacted region is critical for protein function (Ambry internal data). Based on the majority of available evidence to date, this variant is likely to be pathogenic.

Myriad Genetics, Inc.
Classification: Pathogenic for Lynch syndrome 5. Last evaluated: 2023-08-28. Review status: criteria provided, single submitter. Criteria: Myriad Autosomal Dominant, Autosomal Recessive and X-Linked Classification Criteria (2023). Collection method: clinical testing. Allele origin: unknown.
Comment: This variant is considered pathogenic. This variant creates a frameshift predicted to result in premature protein truncation.

Color Diagnostics, LLC DBA Color Health
Classification: Pathogenic for Hereditary cancer-predisposing syndrome. Last evaluated: 2020-09-08. Review status: criteria provided, single submitter. Criteria: ACMG Guidelines, 2015. Collection method: clinical testing. Allele origin: germline.
Comment: This variant inserts 4 nucleotides in exon 9 of the MSH6 gene, creating a frameshift and premature translation stop signal. This variant is expected to result in an absent or non-functional protein product. To our knowledge, this variant has not been reported in individuals affected with hereditary cancer in the literature. This variant has not been identified in the general population by the Genome Aggregation Database (gnomAD). Other truncation and frameshift variant C-terminal to this variant are considered disease-causing (ClinVar variation ID: 455311, 428325, 142234, 184998). Loss of MSH6 function is a known mechanism of disease. Based on the available evidence, this variant is classified as Pathogenic.

Literature cited by the submitters: PubMed 18269114 (cited by Labcorp Genetics (formerly Invitae), Labcorp); PubMed 24362816 (cited by Labcorp Genetics (formerly Invitae), Labcorp); PubMed 21155762 (cited by Labcorp Genetics (formerly Invitae), Labcorp).

NM_000179.3(MSH6):c.3926_3927insGAGA (p.Glu1310fs)

Gene: MSH6 (mutS homolog 6; plus strand). Cytogenetic location: 2p16.3.
Variant type: Insertion.
Coding change: c.3926_3927insGAGA on transcript NM_000179.3 (MANE Select); coding-DNA positions 3926 to 3927, GAGA inserted.
Protein change: p.Glu1310fs; shifts the reading frame from glutamic acid 1310.
Molecular consequence: frameshift variant.
Genome position: GRCh38 VCF-style: chr2-47806576-C-CGAGA. GRCh37 (hg19) VCF-style: chr2-48033715-C-CGAGA.
Other names: c.3536_3537insGAGA, p.Glu1180fs (NM_001281492.2); c.3020_3021insGAGA, p.Glu1008fs (NM_001281493.2, NM_001281494.2); short protein forms E1008fs, E1180fs, E1310fs.
Identifiers: ClinVar variation 455308 (VCV000455308.14), dbSNP rs1553333605, ClinGen allele CA658655765.